The following is an entry in ClinVar:

NM_000194.3(HPRT1):c.610-1G>A

Gene: HPRT1 (hypoxanthine phosphoribosyltransferase 1; plus strand). Cytogenetic location: Xq26.3.
Variant type: single nucleotide variant.
Coding change: c.610-1G>A on transcript NM_000194.3 (MANE Select); the canonical splice acceptor site of the intron before coding-DNA position 610, G replaced by A.
Molecular consequence: splice acceptor variant.
Genome position (GRCh38, 1-based): chrX:134,500,029, G>A. VCF-style: chrX-134500029-G-A. GRCh37 (hg19) VCF-style: chrX-133634059-G-A.
Identifiers: ClinVar variation 3759678 (VCV003759678.2).
Genomic context (GRCh38, chrX:134,500,029, plus strand): 5'-TTCTTGCCTTTCATTTCAGAATATACTTTTTAAATGTGAATTTCTGGATTTTTTTTTATA[G>A]CATGTTTGTGTCATTAGTGAAACTGGAAAAGCAAAATACAAAGCCTAAGATGAGAGTTCA-3'

ClinVar aggregate classification (germline): Pathogenic (1 of 4 stars; one submission).

Conditions:
Partial hypoxanthine-guanine phosphoribosyltransferase deficiency. Also called: GOUT, HPRT-RELATED; HPRT DEFICIENCY, PARTIAL; HYPOXANTHINE GUANINE PHOSPHORIBOSYLTRANSFERASE 1 DEFICIENCY, PARTIAL; Kelley-Seegmiller Syndrome; HPRT1 DEFICIENCY, PARTIAL. Identifiers: Orphanet 79233, MedGen C0268117, MONDO:0010299, OMIM 300323.
Lesch-Nyhan syndrome (LNS). Also called: Lesch-Nyhan Disease (LND); HPRT DEFICIENCY, COMPLETE. Identifiers: Orphanet 510, MedGen C0023374, MONDO:0010298, OMIM 300322.

Submission:

Labcorp Genetics (formerly Invitae), Labcorp
Classification: Pathogenic for Lesch-Nyhan syndrome; Partial hypoxanthine-guanine phosphoribosyltransferase deficiency. Last evaluated: 2024-12-21. Review status: criteria provided, single submitter. Criteria: Invitae Variant Classification Sherloc (09022015). Collection method: clinical testing. Allele origin: germline.
Comment: This sequence change affects an acceptor splice site in intron 8 of the HPRT1 gene. While this variant is not anticipated to result in nonsense mediated decay, it likely alters RNA splicing and results in a disrupted protein product. This variant is not present in population databases (gnomAD no frequency). Disruption of this splice site has been observed in individual(s) with Lesch-Nyhan syndrome (PMID: 17027311, 20638392, 25612837, 36964972; internal data). Variants that disrupt the consensus splice site are a relatively common cause of aberrant splicing (PMID: 17576681, 9536098). Algorithms developed to predict the effect of sequence changes on RNA splicing suggest that this variant may disrupt the consensus splice site. For these reasons, this variant has been classified as Pathogenic.

Literature cited by the submitters: PubMed 17027311; PubMed 20638392; PubMed 25612837; PubMed 36964972; PubMed 17576681; PubMed 9536098.